The following is an entry in ClinVar:

ClinVar aggregate classification (germline): Uncertain significance (1 of 4 stars; one submission).

Allele frequency attached by ClinVar (database versions not stated): gnomAD exomes below 0.00001; gnomAD 0.00001; TOPMed 0.00001.
gnomAD v4.1: 2 of 1,613,766 alleles (0.00012%); highest among the groups gnomAD compares: Admixed American, 0.0033%; no homozygotes.

Submission:

Labcorp Genetics (formerly Invitae), Labcorp
Classification: Uncertain significance. Last evaluated: 2022-04-22. Review status: criteria provided, single submitter. Criteria: Invitae Variant Classification Sherloc (09022015). Collection method: clinical testing. Allele origin: germline.
Comment: This sequence change replaces asparagine, which is neutral and polar, with serine, which is neutral and polar, at codon 1997 of the FAT4 protein (p.Asn1997Ser). In summary, the available evidence is currently insufficient to determine the role of this variant in disease. Therefore, it has been classified as a Variant of Uncertain Significance. Advanced modeling of protein sequence and biophysical properties (such as structural, functional, and spatial information, amino acid conservation, physicochemical variation, residue mobility, and thermodynamic stability) performed at Invitae indicates that this missense variant is not expected to disrupt FAT4 protein function. This variant has not been reported in the literature in individuals affected with FAT4-related conditions. This variant is not present in population databases (gnomAD no frequency).

NM_001291303.3(FAT4):c.5990A>G (p.Asn1997Ser)

Gene: FAT4 (FAT atypical cadherin 4; plus strand). Cytogenetic location: 4q28.1.
Variant type: single nucleotide variant.
Coding change: c.5990A>G on transcript NM_001291303.3 (MANE Select); coding-DNA position 5990, A replaced by G.
Protein change: p.Asn1997Ser; replaces asparagine 1997 with serine.
Molecular consequence: missense variant.
Genome position (GRCh38, 1-based): chr4:125,414,953, A>G. VCF-style: chr4-125414953-A-G. GRCh37 (hg19) VCF-style: chr4-126336108-A-G.
Other names: c.5990A>G, p.Asn1997Ser (NM_001291285.3, NM_024582.6); short protein forms N1997S.
Identifiers: ClinVar variation 2094700 (VCV002094700.4), dbSNP rs1253962038, ClinGen allele CA358126759.